The following is an entry in ClinVar:

ClinVar aggregate classification (germline): Uncertain significance (1 of 4 stars; one submission).

Conditions:
Dyskeratosis congenita. Identifiers: Orphanet 1775, MedGen C0265965, MONDO:0015780.

Submission:

Ambry Genetics
Classification: Uncertain significance for Dyskeratosis congenita. Last evaluated: 2026-08-02. Review status: criteria provided, single submitter. Criteria: Ambry Variant Classification Scheme 2023. Collection method: clinical testing. Allele origin: germline.
Comment: The p.R657K variant (also known as c.1970G>A), located in coding exon 5 of the TERT gene, results from a G to A substitution at nucleotide position 1970. The arginine at codon 657 is replaced by lysine, an amino acid with highly similar properties. This amino acid position is conserved. In addition, this alteration is predicted to be tolerated by in silico analysis. Based on the available evidence, the clinical significance of this variant remains unclear.

NM_198253.3(TERT):c.1970G>A (p.Arg657Lys)

Gene: TERT (telomerase reverse transcriptase; minus strand). Cytogenetic location: 5p15.33.
Variant type: single nucleotide variant.
Coding change: c.1970G>A on transcript NM_198253.3 (MANE Select); coding-DNA position 1970, G replaced by A.
Protein change: p.Arg657Lys; replaces arginine 657 with lysine.
Molecular consequence: missense variant. On other transcripts: non-coding transcript variant (2).
Genome position (GRCh38, 1-based): chr5:1,279,451, C>T on the plus strand (G>A on the coding strand, the complement: TERT is on the minus strand). VCF-style: chr5-1279451-C-T. GRCh37 (hg19) VCF-style: chr5-1279566-C-T.
Other names: c.1970G>A, p.Arg657Lys (NM_001193376.3); short protein forms R657K.
Identifiers: ClinVar variation 5030626 (VCV005030626.1).
Genomic context (GRCh38, chr5:1,279,451, plus strand): 5'-CCCAGGAGGCCGGGGCGCCGCGCCCGCTCGTAGTTGAGCACGCTGAACAGTGCCTTCACC[C>T]TCGAGGTGAGACGCTCGGCCTGGCGGGGACAGCATGGGAGACAGTCAGGAAAGTGGATCC-3'
Protein context (NP_937983.2, residues 647-667): REKRAERLTS[Arg657Lys]VKALFSVLNY